The following is an entry in ClinVar:

NM_031921.6(ATAD3B):c.1638C>T (p.Asp546=)

Gene: ATAD3B (ATPase family AAA domain containing 3B; plus strand). Cytogenetic location: 1p36.33.
Variant type: single nucleotide variant.
Coding change: c.1638C>T on transcript NM_031921.6 (MANE Select); coding-DNA position 1638, C replaced by T.
Protein change: p.Asp546=; no amino-acid change (aspartic acid 546 retained).
Molecular consequence: synonymous variant.
Genome position (GRCh38, 1-based): chr1:1,495,508, C>T. VCF-style: chr1-1495508-C-T. GRCh37 (hg19) VCF-style: chr1-1430888-C-T.
Other names: c.1500C>T, p.Asp500= (NM_001317238.2).
Identifiers: ClinVar variation 2638017 (VCV002638017.24), dbSNP rs748534195, ClinGen allele CA525297.

ClinVar aggregate classification (germline): Likely benign (1 of 4 stars; one submission).

Allele frequency attached by ClinVar (database versions not stated): ExAC 0.00001; gnomAD 0.00001; TOPMed 0.00003.
gnomAD v4.1: 26 of 1,609,604 alleles (0.0016%); highest among the groups gnomAD compares: Middle Eastern, 0.017%; no homozygotes.

Submission:

CeGaT Center for Human Genetics Tuebingen
Classification: Likely benign. Last evaluated: 2022-12-01. Review status: criteria provided, single submitter. Criteria: CeGaT Center For Human Genetics Tuebingen Variant Classification Criteria Version 2. Collection method: clinical testing. Allele origin: germline. Affected: yes. Observed: 2 variant alleles.
Comment: ATAD3B: BP4, BP7